The following is an entry in ClinVar:

ClinVar aggregate classification (germline): Uncertain significance (1 of 4 stars; one submission).

Conditions:
Isolated microphthalmia 5. Also called: Posterior Microphthalmia with Retinitis Pigmentosa, Foveoschisis, and Optic Disc Drusen. Identifiers: Orphanet 251279, MedGen C1970236, MONDO:0012605, OMIM 611040.

Allele frequency attached by ClinVar (database versions not stated): ESP Exome Variant Server 0.00008; TOPMed 0.00014.
gnomAD v4.1: 104 of 1,613,858 alleles (0.0064%); highest among the groups gnomAD compares: African/African-American, 0.027%; no homozygotes.

Submission:

Labcorp Genetics (formerly Invitae), Labcorp
Classification: Uncertain significance for Isolated microphthalmia 5. Last evaluated: 2022-11-01. Review status: criteria provided, single submitter. Criteria: Invitae Variant Classification Sherloc (09022015). Collection method: clinical testing. Allele origin: germline.
Comment: This sequence change replaces glutamic acid, which is acidic and polar, with lysine, which is basic and polar, at codon 27 of the MFRP protein (p.Glu27Lys). This variant is present in population databases (rs374815208, gnomAD 0.02%). This variant has not been reported in the literature in individuals affected with MFRP-related conditions. ClinVar contains an entry for this variant (Variation ID: 839269). Advanced modeling of protein sequence and biophysical properties (such as structural, functional, and spatial information, amino acid conservation, physicochemical variation, residue mobility, and thermodynamic stability) performed at Invitae indicates that this missense variant is expected to disrupt MFRP protein function. In summary, the available evidence is currently insufficient to determine the role of this variant in disease. Therefore, it has been classified as a Variant of Uncertain Significance.

NM_031433.4(MFRP):c.79G>A (p.Glu27Lys)

Genes: C1QTNF5 (C1q and TNF related 5; minus strand), MFRP (membrane frizzled-related protein; minus strand). Cytogenetic location: 11q23.3.
Variant type: single nucleotide variant.
Coding change: c.79G>A on transcript NM_031433.4 (MANE Select); coding-DNA position 79, G replaced by A.
Protein change: p.Glu27Lys; replaces glutamic acid 27 with lysine.
Molecular consequence: missense variant. On other transcripts: 5 prime UTR variant (1).
Genome position (GRCh38, 1-based): chr11:119,346,350, C>T on the plus strand (G>A on the coding strand, the complement: MFRP is on the minus strand). VCF-style: chr11-119346350-C-T. GRCh37 (hg19) VCF-style: chr11-119217060-C-T.
Other names: c.-2558G>A (NM_015645.5); short protein forms E27K.
Identifiers: ClinVar variation 839269 (VCV000839269.6), dbSNP rs374815208, ClinGen allele CA6320711.